The following is an entry in ClinVar:

ClinVar aggregate classification (germline): Conflicting classifications of pathogenicity. Review status: criteria provided, conflicting classifications (1 of 4 stars). 7 submissions from 7 submitters: Uncertain significance (1); Benign (5); Likely benign (1). Last evaluated 2026-02-01.

Conditions:
Inborn genetic diseases. Identifiers: MedGen C0950123, MeSH D030342.
Developmental and epileptic encephalopathy, 12 (DEE12). Identifiers: MedGen C3150988, MONDO:0013389, OMIM 613722.
Microcephaly, seizures, and developmental delay. Identifiers: Orphanet 1934, MedGen C3150667, MONDO:0013254, OMIM 613402.

Allele frequency attached by ClinVar (database versions not stated): gnomAD exomes 0.00071; ExAC 0.00092; gnomAD 0.00270 and 0.00280; TOPMed 0.00293; 1000 Genomes Project 0.00399; ESP Exome Variant Server 0.00423; 1000 Genomes Project 30x 0.00453.
gnomAD v4.1: 804 of 1,613,940 alleles (0.05%); highest among the groups gnomAD compares: African/African-American, 0.94%; 2 homozygotes.

Submissions (7):

CeGaT Center for Human Genetics Tuebingen
Classification: Benign. Last evaluated: 2026-02-01. Review status: criteria provided, single submitter. Criteria: CeGaT Center For Human Genetics Tuebingen Variant Classification Criteria Version 2. Collection method: clinical testing. Allele origin: germline. Affected: yes. Observed: 3 variant alleles.
Comment: PNKP: BP4, BS1, BS2

Labcorp Genetics (formerly Invitae), Labcorp
Classification: Benign for Developmental and epileptic encephalopathy, 12. Last evaluated: 2026-01-30. Review status: criteria provided, single submitter. Criteria: Invitae Variant Classification Sherloc (09022015). Collection method: clinical testing. Allele origin: germline.

ARUP Laboratories, Molecular Genetics and Genomics, ARUP Laboratories
Classification: Likely benign. Last evaluated: 2025-03-13. Review status: criteria provided, single submitter. Criteria: ARUP Molecular Germline Variant Investigation Process 2024. Collection method: clinical testing. Allele origin: germline.

Athena Diagnostics
Classification: Benign. Last evaluated: 2018-11-28. Review status: criteria provided, single submitter. Criteria: Athena Diagnostics Criteria. Collection method: clinical testing. Allele origin: germline.

Ambry Genetics
Classification: Benign for Inborn genetic diseases. Last evaluated: 2018-07-23. Review status: criteria provided, single submitter. Criteria: Ambry Variant Classification Scheme 2023. Collection method: clinical testing. Allele origin: germline.

Genetic Services Laboratory, University of Chicago
Classification: Uncertain significance for Epileptic encephalopathy, early infantile, 10. Last evaluated: 2014-04-03. Review status: criteria provided, single submitter. Criteria: ACMG Guidelines, 2007. Collection method: clinical testing. Allele origin: germline. Inheritance: Autosomal recessive inheritance.

GeneDx
Classification: Benign. Last evaluated: 2013-10-02. Review status: criteria provided, single submitter. Criteria: GeneDx Variant Classification (06012015). Collection method: clinical testing. Allele origin: germline. Affected: yes.
Comment: This variant is considered likely benign or benign based on one or more of the following criteria: it is a conservative change, it occurs at a poorly conserved position in the protein, it is predicted to be benign by multiple in silico algorithms, and/or has population frequency not consistent with disease.

NM_007254.4(PNKP):c.1522G>A (p.Glu508Lys)

Gene: PNKP (polynucleotide kinase 3'-phosphatase; minus strand). Cytogenetic location: 19q13.33.
Variant type: single nucleotide variant.
Coding change: c.1522G>A on transcript NM_007254.4 (MANE Select); coding-DNA position 1522, G replaced by A.
Protein change: p.Glu508Lys; replaces glutamic acid 508 with lysine.
Molecular consequence: missense variant.
Genome position (GRCh38, 1-based): chr19:49,861,292, C>T on the plus strand (G>A on the coding strand, the complement: PNKP is on the minus strand). VCF-style: chr19-49861292-C-T. GRCh37 (hg19) VCF-style: chr19-50364549-C-T.
Other names: p.E508K:GAG>AAG; short protein forms E508K.
Identifiers: ClinVar variation 138725 (VCV000138725.31), dbSNP rs146478958, ClinGen allele CA251151.